The following is an entry in ClinVar:

NM_005522.5(HOXA1):c.*1437A>G

Gene: HOXA1 (homeobox A1; minus strand). Cytogenetic location: 7p15.2.
Variant type: single nucleotide variant.
Coding change: c.*1437A>G on transcript NM_005522.5 (MANE Select); 1437 bases downstream of the stop codon, A replaced by G.
Molecular consequence: 3 prime UTR variant.
Genome position (GRCh38, 1-based): chr7:27,093,003, T>C on the plus strand (A>G on the coding strand, the complement: HOXA1 is on the minus strand). VCF-style: chr7-27093003-T-C. GRCh37 (hg19) VCF-style: chr7-27132622-T-C.
Other names: c.*1828A>G (NM_153620.3).
Identifiers: ClinVar variation 911451 (VCV000911451.4), dbSNP rs569968863, ClinGen allele CA155898040.

ClinVar aggregate classification (germline): Likely benign (1 of 4 stars; one submission).

Conditions:
Athabaskan Brain Stem Dysgenesis Syndrome (ABDS) (ABDS). Also called: NAVAJO BRAINSTEM SYNDROME; ATHABASKAN BRAINSTEM DYSGENESIS SYNDROME. Identifiers: Orphanet 69737, Orphanet 69739, MedGen C1832215, MONDO:7770750, OMIM 601536.

Allele frequency attached by ClinVar (database versions not stated): gnomAD 0.00018 and 0.00032; TOPMed 0.00026; 1000 Genomes Project 30x 0.00172; 1000 Genomes Project 0.00220.

Submission:

Illumina Laboratory Services, Illumina
Classification: Likely benign for Athabaskan Brain Stem Dysgenesis Syndrome (ABDS). Last evaluated: 2018-01-13. Review status: criteria provided, single submitter. Criteria: ICSL Variant Classification Criteria 13 December 2019. Collection method: clinical testing. Allele origin: germline.
Comment: This variant was observed in the ICSL laboratory as part of a predisposition screen in an ostensibly healthy population. It had not been previously curated by ICSL or reported in the Human Gene Mutation Database (HGMD: prior to June 1st, 2018), and was therefore a candidate for classification through an automated scoring system. Utilizing variant allele frequency, disease prevalence and penetrance estimates, and inheritance mode, an automated score was calculated to assess if this variant is too frequent to cause the disease. Based on the score and internal cut-off values, a variant classified as likely benign is not then subjected to further curation. The score for this variant resulted in a classification of likely benign for this disease.